The following is an entry in ClinVar:

NM_001754.5(RUNX1):c.*263C>G

Gene: RUNX1 (RUNX family transcription factor 1; minus strand). Cytogenetic location: 21q22.12.
Variant type: single nucleotide variant.
Coding change: c.*263C>G on transcript NM_001754.5 (MANE Select); 263 bases downstream of the stop codon, C replaced by G.
Molecular consequence: 3 prime UTR variant.
Genome position (GRCh38, 1-based): chr21:34,791,872, G>C on the plus strand (C>G on the coding strand, the complement: RUNX1 is on the minus strand). VCF-style: chr21-34791872-G-C. GRCh37 (hg19) VCF-style: chr21-36164169-G-C.
Other names: c.*263C>G (NM_001001890.3).
Identifiers: ClinVar variation 898857 (VCV000898857.5), dbSNP rs527589424, ClinGen allele CA320250894.

ClinVar aggregate classification (germline): Likely benign. Review status: reviewed by expert panel (3 of 4 stars). 2 submissions from 2 submitters: Likely benign (1). 1 of the submissions does not count toward it. Last evaluated 2024-09-18.

Conditions:
Hereditary thrombocytopenia and hematologic cancer predisposition syndrome. Identifiers: Orphanet 71290, MedGen CN281654, MONDO:0011071.
Hereditary thrombocytopenia and hematological cancer predisposition syndrome associated with RUNX1. Also called: PLATELET DISORDER, ASPIRIN-LIKE; RUNX1 Familial Platelet Disorder with Associated Myeloid Malignancies; Familial Platelet Disorder with Propensity to Acute Myelogenous Leukemia; Familial thrombocytopenia with propensity to acute myelogenous leukemia. Identifiers: Orphanet 71290, MedGen C1832388, MeSH C563324, MONDO:0100083, OMIM 601399.

Allele frequency attached by ClinVar (database versions not stated): 1000 Genomes Project 30x 0.00016; TOPMed 0.00060; 1000 Genomes Project 0.00080.
gnomAD v4.1: 117 of 260,160 alleles (0.045%); highest among the groups gnomAD compares: African/African-American, 0.075%; no homozygotes.

Submissions (2):

ClinGen Myeloid Malignancy Variant Curation Expert Panel
Classification: Likely benign for Hereditary thrombocytopenia and hematologic cancer predisposition syndrome. Last evaluated: 2024-09-18. Review status: reviewed by expert panel. Criteria: ClinGen MyeloMalig ACMG Specifications v2. Collection method: curation. Allele origin: germline. Inheritance: Autosomal dominant inheritance.
Comment: NM_001754.5(RUNX1):c.*263C>G is a UTR variant with a MAF 0.0015 (0.15%) at 0.0006756 (0.06756%, 28/41442,) in the African American subpopulation of gnomAD 3.1.2 cohort is between 0.00015 (0.015%) and 0.0015 (0.15%) (BS1). This variant has a SpliceAI score ≤ 0.20 (0.0) (BP4). Evolutionary conservation algorithms predict the site as not being conserved (PhyloP score 0.00 < 2.0) (BP7). In summary, this variant meets criteria to be classified as likely benign. ACMG/AMP criteria applied, as specified by the Myeloid Malignancy Variant Curation Expert Panel for RUNX1: BS1, BP4, BP7.

Illumina Laboratory Services, Illumina
Classification: Likely benign for Hereditary thrombocytopenia and hematological cancer predisposition syndrome associated with RUNX1. Last evaluated: 2018-01-12. Review status: criteria provided, single submitter. Criteria: ICSL Variant Classification Criteria 13 December 2019. Collection method: clinical testing. Allele origin: germline. Not counted in ClinVar's aggregate classification.
Comment: This variant was observed in the ICSL laboratory as part of a predisposition screen in an ostensibly healthy population. It had not been previously curated by ICSL or reported in the Human Gene Mutation Database (HGMD: prior to June 1st, 2018), and was therefore a candidate for classification through an automated scoring system. Utilizing variant allele frequency, disease prevalence and penetrance estimates, and inheritance mode, an automated score was calculated to assess if this variant is too frequent to cause the disease. Based on the score and internal cut-off values, a variant classified as likely benign is not then subjected to further curation. The score for this variant resulted in a classification of likely benign for this disease.